The following is an entry in ClinVar:

ClinVar aggregate classification (germline): Conflicting classifications of pathogenicity. Review status: no assertion criteria provided (0 of 4 stars). 2 submissions from 2 submitters: Pathogenic (1); Uncertain significance (1). Last evaluated 2024-04-19.

Conditions:
Thyroid hormone metabolism, abnormal 1 (THMA1). Also called: Short stature-delayed bone age due to thyroid hormone metabolism deficiency. Identifiers: Orphanet 171706, MedGen C5676891, MONDO:0800046, OMIM 609698.
SECISBP2-related disorder. Also called: SECISBP2-related condition.

Allele frequency attached by ClinVar (database versions not stated): ExAC 0.00001; gnomAD 0.00001; gnomAD exomes 0.00001; TOPMed 0.00002.
gnomAD v4.1: 30 of 1,613,232 alleles (0.0019%); highest among the groups gnomAD compares: Non-Finnish European, 0.0024%; no homozygotes.

Submissions (2):

PreventionGenetics, part of Exact Sciences
Classification: Uncertain significance for SECISBP2-related condition. Last evaluated: 2024-04-19. Review status: no assertion criteria provided. Collection method: clinical testing. Allele origin: germline.
Comment: The SECISBP2 c.1619G>A variant is predicted to result in the amino acid substitution p.Arg540Gln. This variant has been reported in homozygous individuals from a single family presenting with abnormal thyroid hormone metabolism (Family A, Dumitrescu et al. 2005. PubMed ID: 16228000). A mouse model incorporating this variant identified that this variant impacts protein function and stability (Zhao et al. 2019. PubMed ID: 31350336). This variant is reported in 0.0033% of alleles in individuals of South Asian descent in gnomAD. Although we suspect that this variant may be pathogenic, at this time, the clinical significance of this variant is uncertain due to the absence of conclusive functional and genetic evidence.

OMIM
Classification: Pathogenic for THYROID HORMONE METABOLISM 1, ABNORMAL. Last evaluated: 2005-11-01. Review status: no assertion criteria provided. Collection method: literature only. Allele origin: germline.

Literature cited by the submitters: PubMed 16228000 (cited by OMIM).

NM_024077.5(SECISBP2):c.1619G>A (p.Arg540Gln)

Gene: SECISBP2 (SECIS binding protein 2; plus strand). Cytogenetic location: 9q22.2.
Variant type: single nucleotide variant.
Coding change: c.1619G>A on transcript NM_024077.5 (MANE Select); coding-DNA position 1619, G replaced by A.
Protein change: p.Arg540Gln; replaces arginine 540 with glutamine.
Molecular consequence: missense variant.
Genome position (GRCh38, 1-based): chr9:89,348,095, G>A. VCF-style: chr9-89348095-G-A. GRCh37 (hg19) VCF-style: chr9-91963010-G-A.
Other names: c.1616G>A, p.Arg539Gln (NM_001282688.2); c.1400G>A, p.Arg467Gln (NM_001282689.2); c.1415G>A, p.Arg472Gln (NM_001282690.1); c.1502G>A, p.Arg501Gln (NM_001354696.2); c.1505G>A, p.Arg502Gln (NM_001354697.2); c.1412G>A, p.Arg471Gln (NM_001354698.2); c.734G>A, p.Arg245Gln (NM_001354702.2); c.1619G>A (NM_024077.4); short protein forms R540Q, R245Q, R472Q, R501Q, R502Q, R539Q, R467Q, R471Q.
Identifiers: ClinVar variation 2919 (VCV000002919.4), dbSNP rs119461976, ClinGen allele CA115871.
Genomic context (GRCh38, chr9:89,348,095, plus strand): 5'-AGTACAAGTATTTAGGCATTTTAATTGTTTATTTAATTTTTAAGATTATTTTGAAAGAAC[G>A]GCAAGAGAGAAAGCAGCGTCTCCAAGAAAATGCTGTGAGTCCAGCTTTTACCAGTGATGA-3'
Protein context (NP_076982.3, residues 530-550): TSLKKIILKE[Arg540Gln]QERKQRLQEN